The following is an entry in ClinVar:

NM_020208.4(SLC6A20):c.147C>T (p.Ile49=)

Gene: SLC6A20 (solute carrier family 6 member 20; minus strand). Cytogenetic location: 3p21.31.
Variant type: single nucleotide variant.
Coding change: c.147C>T on transcript NM_020208.4 (MANE Select); coding-DNA position 147, C replaced by T.
Protein change: p.Ile49=; no amino-acid change (isoleucine 49 retained).
Molecular consequence: synonymous variant.
Genome position (GRCh38, 1-based): chr3:45,782,198, G>A on the plus strand (C>T on the coding strand, the complement: SLC6A20 is on the minus strand). VCF-style: chr3-45782198-G-A. GRCh37 (hg19) VCF-style: chr3-45823690-G-A.
Other names: c.147C>T, p.Ile49= (NM_022405.4).
Identifiers: ClinVar variation 899780 (VCV000899780.7), dbSNP rs142086756, ClinGen allele CA2351745.

ClinVar aggregate classification (germline): Likely benign. Review status: criteria provided, multiple submitters, no conflicts (2 of 4 stars). 3 submissions from 3 submitters: Likely benign (2). 1 of the submissions does not count toward it. Last evaluated 2018-01-13.

Conditions:
Hyperglycinuria. Also called: GLYCINURIA WITH OR WITHOUT OXALATE NEPHROLITHIASIS; GLYCINURIA WITH OR WITHOUT OXALATE UROLITHIASIS; IMINOGLYCINURIA TYPE II. Identifiers: MedGen C0543541, MONDO:0007677, OMIM 138500, HP:0003108.
SLC6A20-related disorder. Also called: SLC6A20-related condition.

Allele frequency attached by ClinVar (database versions not stated): gnomAD exomes 0.00017 and 0.00054; ExAC 0.00073; gnomAD 0.00234 and 0.00252; 1000 Genomes Project 30x 0.00250; 1000 Genomes Project 0.00260; TOPMed 0.00261; ESP Exome Variant Server 0.00315.
gnomAD v4.1: 623 of 1,613,764 alleles (0.039%); highest among the groups gnomAD compares: African/African-American, 0.74%; 6 homozygotes.

Submissions (3):

Illumina Laboratory Services, Illumina
Classification: Likely benign for Hyperglycinuria. Last evaluated: 2018-01-13. Review status: criteria provided, single submitter. Criteria: ICSL Variant Classification Criteria 13 December 2019. Collection method: clinical testing. Allele origin: germline.
Comment: This variant was observed in the ICSL laboratory as part of a predisposition screen in an ostensibly healthy population. It had not been previously curated by ICSL or reported in the Human Gene Mutation Database (HGMD: prior to June 1st, 2018), and was therefore a candidate for classification through an automated scoring system. Utilizing variant allele frequency, disease prevalence and penetrance estimates, and inheritance mode, an automated score was calculated to assess if this variant is too frequent to cause the disease. Based on the score and internal cut-off values, a variant classified as likely benign is not then subjected to further curation. The score for this variant resulted in a classification of likely benign for this disease.

Breakthrough Genomics
Classification: Likely benign. Review status: criteria provided, single submitter. Criteria: ACMG Guidelines, 2015. Collection method: not provided. Allele origin: germline. Inheritance: Autosomal recessive inheritance. Affected: yes.

PreventionGenetics, part of Exact Sciences
Classification: Benign for SLC6A20-related condition. Last evaluated: 2019-06-05. Review status: no assertion criteria provided. Collection method: clinical testing. Allele origin: germline. Not counted in ClinVar's aggregate classification.
Comment: This variant is classified as benign based on ACMG/AMP sequence variant interpretation guidelines (Richards et al. 2015 PMID: 25741868, with internal and published modifications).